The following is an entry in ClinVar:

NM_032271.3(TRAF7):c.1941C>T (p.Thr647=)

Gene: TRAF7 (TNF receptor associated factor 7; plus strand). Cytogenetic location: 16p13.3.
Variant type: single nucleotide variant.
Coding change: c.1941C>T on transcript NM_032271.3 (MANE Select); coding-DNA position 1941, C replaced by T.
Protein change: p.Thr647=; no amino-acid change (threonine 647 retained).
Molecular consequence: synonymous variant.
Genome position (GRCh38, 1-based): chr16:2,176,327, C>T. VCF-style: chr16-2176327-C-T. GRCh37 (hg19) VCF-style: chr16-2226328-C-T.
Identifiers: ClinVar variation 3040648 (VCV003040648.2), dbSNP rs74573292, ClinGen allele CA7835173.

ClinVar aggregate classification (germline): Benign (0 of 4 stars; one submission).

Conditions:
TRAF7-related disorder. Also called: TRAF7-related condition.

Allele frequency attached by ClinVar (database versions not stated): ESP Exome Variant Server 0.00015; TOPMed 0.00126; gnomAD exomes 0.00131; gnomAD 0.00149; ExAC 0.00259; 1000 Genomes Project 30x 0.00531; 1000 Genomes Project 0.00559.
gnomAD v4.1: 2,183 of 1,604,188 alleles (0.14%); highest among the groups gnomAD compares: East Asian, 4%; 48 homozygotes.

Submission:

PreventionGenetics, part of Exact Sciences
Classification: Benign for TRAF7-related condition. Last evaluated: 2019-03-20. Review status: no assertion criteria provided. Collection method: clinical testing. Allele origin: germline.
Comment: This variant is classified as benign based on ACMG/AMP sequence variant interpretation guidelines (Richards et al. 2015 PMID: 25741868, with internal and published modifications).